The following is an entry in ClinVar:

ClinVar aggregate classification (germline): Uncertain significance. Review status: criteria provided, multiple submitters, no conflicts (2 of 4 stars). 2 submissions from 2 submitters: Uncertain significance (2). Last evaluated 2024-10-02.

Conditions:
Hereditary cancer-predisposing syndrome. Also called: Neoplastic Syndromes, Hereditary; Tumor predisposition; Hereditary Cancer Syndrome; Hereditary neoplastic syndrome. Identifiers: Orphanet 140162, MedGen C0027672, MeSH D009386, MONDO:0015356.
Lynch syndrome 4 (LYNCH4). Also called: Hereditary non-polyposis colorectal cancer, type 4; Colorectal cancer, hereditary nonpolyposis, type 4. Identifiers: Orphanet 144, MedGen C1838333, MONDO:0013699, OMIM 614337. Disease mechanism: loss of function.

Submissions (2):

Ambry Genetics
Classification: Uncertain significance for Hereditary cancer-predisposing syndrome. Last evaluated: 2024-10-02. Review status: criteria provided, single submitter. Criteria: Ambry Variant Classification Scheme 2023. Collection method: clinical testing. Allele origin: germline.
Comment: The c.1145-5C>G intronic variant results from a C to G substitution 5 nucleotides upstream from coding exon 11 in the PMS2 gene. This nucleotide position is not well conserved in available vertebrate species. In silico splice site analysis predicts that this alteration may result in the creation or strengthening of a novel splice acceptor site. Based on the available evidence, the clinical significance of this variant remains unclear.

Baylor Genetics
Classification: Uncertain significance for Lynch syndrome 4. Last evaluated: 2021-12-07. Review status: criteria provided, single submitter. Criteria: ACMG Guidelines, 2015. Collection method: clinical testing. Allele origin: unknown.

NM_000535.7(PMS2):c.1145-5C>G

Gene: PMS2 (PMS1 homolog 2, mismatch repair system component; minus strand). Cytogenetic location: 7p22.1.
Variant type: single nucleotide variant.
Coding change: c.1145-5C>G on transcript NM_000535.7 (MANE Select); 5 bases into the intron before coding-DNA position 1145, C replaced by G.
Molecular consequence: intron variant.
Genome position (GRCh38, 1-based): chr7:5,987,625, G>C on the plus strand (C>G on the coding strand, the complement: PMS2 is on the minus strand). VCF-style: chr7-5987625-G-C. GRCh37 (hg19) VCF-style: chr7-6027256-G-C.
Other names: c.827-5C>G (NM_001322008.2, NM_001406883.1, NM_001406903.1 and 2 more transcripts); c.836-5C>G (NM_001406881.1, NM_001406879.1, NM_001322015.2 and 5 more transcripts); c.740-5C>G (NM_001406895.1, NM_001322004.2, NM_001406889.1 and 16 more transcripts); c.374-5C>G (NM_001406911.1); c.584-5C>G (NM_001322010.2, NM_001406906.1, NM_001406907.1); c.671-5C>G (NM_001406902.1, NM_001406901.1); c.632-5C>G (NM_001406904.1, NM_001406905.1); c.572-5C>G (NM_001322013.2, NM_001406909.1); and 13 more.
Identifiers: ClinVar variation 2677925 (VCV002677925.2), dbSNP rs267608157, ClinGen allele CA2695198457.